The following is an entry in ClinVar:

NM_130398.4(EXO1):c.2405+10C>T

Gene: EXO1 (exonuclease 1; plus strand). Cytogenetic location: 1q43.
Variant type: single nucleotide variant.
Coding change: c.2405+10C>T on transcript NM_130398.4 (MANE Select); 10 bases into the intron after coding-DNA position 2405, C replaced by T.
Molecular consequence: intron variant.
Genome position (GRCh38, 1-based): chr1:241,885,517, C>T. VCF-style: chr1-241885517-C-T. GRCh37 (hg19) VCF-style: chr1-242048819-C-T.
Other names: c.2402+10C>T (NM_001319224.2); c.2405+10C>T (NM_006027.4, NM_003686.4).
Identifiers: ClinVar variation 3044574 (VCV003044574.3), dbSNP rs770973852, ClinGen allele CA1481598.
Genomic context (GRCh38, chr1:241,885,517, plus strand): 5'-GGGGTTACAGATCAAACTCAATGAGCTCTGGAAAAACTTTGGATTTAAAAAGTGAGTTGC[C>T]TTGTTTCTTATTCTGAAACAAGATAAACTGTTATTTTCTGTAATTTCCATCCCTTTCTCC-3'

ClinVar aggregate classification (germline): Likely benign. Review status: criteria provided, single submitter (1 of 4 stars). 2 submissions from 2 submitters: Likely benign (1). 1 of the submissions does not count toward it. Last evaluated 2024-09-20.

Conditions:
EXO1-related disorder. Also called: EXO1-related condition.

Allele frequency attached by ClinVar (database versions not stated): gnomAD 0.00009; TOPMed 0.00010; ExAC 0.00012; gnomAD exomes 0.00014.
gnomAD v4.1: 224 of 1,593,224 alleles (0.014%); highest among the groups gnomAD compares: Middle Eastern, 0.61%; 2 homozygotes.

Submissions (2):

Blueprint Genetics
Classification: Likely benign. Last evaluated: 2024-09-20. Review status: criteria provided, single submitter. Criteria: ACMG Guidelines, 2015. Collection method: clinical testing. Allele origin: germline.

PreventionGenetics, part of Exact Sciences
Classification: Likely benign for EXO1-related condition. Last evaluated: 2019-06-05. Review status: no assertion criteria provided. Collection method: clinical testing. Allele origin: germline. Not counted in ClinVar's aggregate classification.
Comment: This variant is classified as likely benign based on ACMG/AMP sequence variant interpretation guidelines (Richards et al. 2015 PMID: 25741868, with internal and published modifications).